The following is an entry in ClinVar:

ClinVar aggregate classification (germline): Uncertain significance (1 of 4 stars; one submission).

Submission:

Labcorp Genetics (formerly Invitae), Labcorp
Classification: Uncertain significance. Last evaluated: 2024-04-25. Review status: criteria provided, single submitter. Criteria: Invitae Variant Classification Sherloc (09022015). Collection method: clinical testing. Allele origin: germline.
Comment: This sequence change replaces methionine, which is neutral and non-polar, with leucine, which is neutral and non-polar, at codon 1979 of the CACNA1D protein (p.Met1979Leu). This variant is not present in population databases (gnomAD no frequency). This variant has not been reported in the literature in individuals affected with CACNA1D-related conditions. An algorithm developed to predict the effect of missense changes on protein structure and function (PolyPhen-2) suggests that this variant is likely to be tolerated. In summary, the available evidence is currently insufficient to determine the role of this variant in disease. Therefore, it has been classified as a Variant of Uncertain Significance.

NM_001128840.3(CACNA1D):c.5875A>T (p.Met1959Leu)

Gene: CACNA1D (calcium voltage-gated channel subunit alpha1 D; plus strand). Cytogenetic location: 3p21.1.
Variant type: single nucleotide variant.
Coding change: c.5875A>T on transcript NM_001128840.3 (MANE Select); coding-DNA position 5875, A replaced by T.
Protein change: p.Met1959Leu; replaces methionine 1959 with leucine.
Molecular consequence: missense variant.
Genome position (GRCh38, 1-based): chr3:53,809,981, A>T. VCF-style: chr3-53809981-A-T. GRCh37 (hg19) VCF-style: chr3-53844008-A-T.
Other names: c.5935A>T, p.Met1979Leu (NM_000720.4); c.5803A>T, p.Met1935Leu (NM_001128839.3); short protein forms M1959L, M1979L, M1935L.
Identifiers: ClinVar variation 3684152 (VCV003684152.2).